The following is an entry in ClinVar:

ClinVar aggregate classification (germline): Pathogenic/Likely pathogenic. Review status: criteria provided, multiple submitters, no conflicts (2 of 4 stars). 3 submissions from 3 submitters: Pathogenic (1); Likely pathogenic (2). Last evaluated 2025-08-14.

Conditions:
Nephrolithiasis/nephrocalcinosis. Identifiers: MedGen CN580796.
Autosomal dominant hypocalcemia 1 (HYPOC1). Also called: HYPOCALCEMIA, FAMILIAL. Identifiers: MedGen C3715128, MONDO:0011013, OMIM 601198.
Familial hypocalciuric hypercalcemia (FHH). Also called: Familial benign hypercalcemia. Identifiers: Orphanet 405, MedGen C1809471, MONDO:0018458.
Autosomal dominant hypocalcemia. Identifiers: Orphanet 428, MedGen C4048195, MONDO:0018543.

Submissions (3):

Labcorp Genetics (formerly Invitae), Labcorp
Classification: Pathogenic for Familial hypocalciuric hypercalcemia; Autosomal dominant hypocalcemia 1. Last evaluated: 2025-08-14. Review status: criteria provided, single submitter. Criteria: Invitae Variant Classification Sherloc (09022015). Collection method: clinical testing. Allele origin: germline.
Comment: This sequence change replaces glutamic acid, which is acidic and polar, with lysine, which is basic and polar, at codon 767 of the CASR protein (p.Glu767Lys). This variant is not present in population databases (gnomAD no frequency). This missense change has been observed in individuals with hypocalcemia and/or hypoparathyroidism (PMID: 15551332; internal data). It has also been observed to segregate with disease in related individuals. Invitae Evidence Modeling of clinical and family history, age, sex, and reported ancestry of multiple individuals with this CASR variant has been performed. This variant is expected to be pathogenic with a positive predictive value of at least 99%. This is a validated machine learning model that incorporates the clinical features of 646,172 individuals referred to our laboratory for CASR testing. ClinVar contains an entry for this variant (Variation ID: 959995). An algorithm developed to predict the effect of missense changes on protein structure and function (PolyPhen-2) suggests that this variant is likely to be disruptive. Experimental studies have shown that this missense change affects CASR function (PMID: 22798347, 23372019). For these reasons, this variant has been classified as Pathogenic.

Women's Health and Genetics/Laboratory Corporation of America, LabCorp
Classification: Likely pathogenic for Autosomal dominant hypocalcemia. Last evaluated: 2025-07-24. Review status: criteria provided, single submitter. Criteria: LabCorp Variant Classification Summary - May 2015. Collection method: clinical testing. Allele origin: germline.
Comment: Variant summary: CASR c.2299G>A (p.Glu767Lys) results in a conservative amino acid change in the encoded protein sequence. Algorithms developed to predict the effect of missense changes on protein structure and function are either unavailable or do not agree on the potential impact of this missense change. The variant was absent in 250944 control chromosomes (gnomAD). c.2299G>A has been observed in individuals affected with Autosomal Dominant Hypocalcemia (Uckun-Kitapci_2005, Raue_2011, internal data). These data indicate that the variant is likely to be associated with disease. Multiple publications report experimental evidence evaluating an impact on protein function and this variant affects the CASR protein function (Ray_2004, Leach_2012, Leach_2013). The following publications have been ascertained in the context of this evaluation (PMID: 22798347, 23372019, 21645025, 15117879, 15551332). ClinVar contains an entry for this variant (Variation ID: 959995). Based on the evidence outlined above, the variant was classified as likely pathogenic.

Ambry Genetics
Classification: Likely pathogenic for Nephrolithiasis/nephrocalcinosis. Last evaluated: 2023-08-02. Review status: criteria provided, single submitter. Criteria: Ambry Variant Classification Scheme 2023. Collection method: clinical testing. Allele origin: germline.
Comment: The c.2299G>A (p.E767K) alteration is located in exon 7 (coding exon 6) of the CASR gene. This alteration results from a G to A substitution at nucleotide position 2299, causing the glutamic acid (E) at amino acid position 767 to be replaced by a lysine (K)._x000D_ Based on the available evidence, the CASR c.2299G>A (p.E767K) alteration is classified as likely pathogenic for autosomal dominant CASR-related hypocalcemia; however, it is unlikely to be causative of autosomal recessive neonatal hyperparathyroidism and autosomal dominant hypocalciuric hypercalcemia. This variant was not reported in population-based cohorts in the Genome Aggregation Database (gnomAD). This alteration was reported in the heterozygous state in multiple relatives from a family with CASR-related hypocalcemia (Uckun-Kitapci, 2005). Additionally, another alteration at the same codon, c.2299G>C (p.E767Q), has been detected in individuals with hypocalcemia (Letz, 2010; Taylor, 2015). This amino acid position is highly conserved in available vertebrate species. Functional studies indicate this alteration increases sensitivity to extracellular calcium (Leach, 2012). This alteration is predicted to be deleterious by in silico analysis. Based on the available evidence, this alteration is classified as likely pathogenic.

Literature cited by the submitters: PubMed 15551332 (cited by 3 submitters); PubMed 22798347 (cited by 3 submitters); PubMed 23372019 (cited by Labcorp Genetics (formerly Invitae), Labcorp and Women's Health and Genetics/Laboratory Corporation of America, LabCorp); PubMed 21645025 (cited by Women's Health and Genetics/Laboratory Corporation of America, LabCorp); PubMed 15117879 (cited by Women's Health and Genetics/Laboratory Corporation of America, LabCorp); PubMed 20668040 (cited by Ambry Genetics); PubMed 25985138 (cited by Ambry Genetics).

NM_000388.4(CASR):c.2299G>A (p.Glu767Lys)

Gene: CASR (calcium sensing receptor; plus strand). Cytogenetic location: 3q21.1.
Variant type: single nucleotide variant.
Coding change: c.2299G>A on transcript NM_000388.4 (MANE Select); coding-DNA position 2299, G replaced by A.
Protein change: p.Glu767Lys; replaces glutamic acid 767 with lysine.
Molecular consequence: missense variant.
Genome position (GRCh38, 1-based): chr3:122,284,253, G>A. VCF-style: chr3-122284253-G-A. GRCh37 (hg19) VCF-style: chr3-122003100-G-A.
Other names: c.2329G>A, p.Glu777Lys (NM_001178065.2); short protein forms E777K, E767K.
Identifiers: ClinVar variation 959995 (VCV000959995.13), dbSNP rs2074935748, ClinGen allele CA354159395.
Genomic context (GRCh38, chr3:122,284,253, plus strand): 5'-CCCCCGTCAAGCTACCGCAACCAGGAGCTGGAGGATGAGATCATCTTCATCACGTGCCAC[G>A]AGGGCTCCCTCATGGCCCTGGGCTTCCTGATCGGCTACACCTGCCTGCTGGCTGCCATCT-3'
Protein context (NP_000379.3, residues 757-777): EDEIIFITCH[Glu767Lys]GSLMALGFLI